The following is an entry in ClinVar:

ClinVar aggregate classification (germline): Uncertain significance (0 of 4 stars; one submission).

Conditions:
Prostate cancer. Also called: Malignant tumor of prostate. Identifiers: Orphanet 1331, MedGen C0376358, MONDO:0008315, HP:0012125.

Allele frequency attached by ClinVar (database versions not stated): gnomAD exomes 0.00001.
gnomAD v4.1: 21 of 1,614,128 alleles (0.0013%); highest among the groups gnomAD compares: Non-Finnish European, 0.0017%; no homozygotes.

Submission:

Science for Life laboratory,  Karolinska Institutet
Classification: Uncertain significance for Malignant tumor of prostate. Review status: no assertion criteria provided. Collection method: not provided. Allele origin: somatic.
Comment: TumorID:SWE-8
ClinVar note: Converted during submission from Unknown to Uncertain significance.

NM_001393499.1(BICRAL):c.1778A>G (p.Lys593Arg)

Gene: BICRAL (BICRA like chromatin remodeling complex associated protein; plus strand). Cytogenetic location: 6p21.1.
Variant type: single nucleotide variant.
Coding change: c.1778A>G on transcript NM_001393499.1 (MANE Select); coding-DNA position 1778, A replaced by G.
Protein change: p.Lys593Arg; replaces lysine 593 with arginine.
Molecular consequence: missense variant.
Genome position (GRCh38, 1-based): chr6:42,830,111, A>G. VCF-style: chr6-42830111-A-G. GRCh37 (hg19) VCF-style: chr6-42797849-A-G.
Other names: c.1778A>G, p.Lys593Arg (NM_001318819.2, NM_015349.3); short protein forms K593R.
Identifiers: ClinVar variation 161692 (VCV000161692.2), dbSNP rs193921035, ClinGen allele CA174607.